The following is an entry in ClinVar:

NM_032242.4(PLXNA1):c.3091A>G (p.Asn1031Asp)

Gene: PLXNA1 (plexin A1; plus strand). Cytogenetic location: 3q21.3.
Variant type: single nucleotide variant.
Coding change: c.3091A>G on transcript NM_032242.4 (MANE Select); coding-DNA position 3091, A replaced by G.
Protein change: p.Asn1031Asp; replaces asparagine 1031 with aspartic acid.
Molecular consequence: missense variant.
Genome position (GRCh38, 1-based): chr3:127,016,593, A>G. VCF-style: chr3-127016593-A-G. GRCh37 (hg19) VCF-style: chr3-126735436-A-G.
Other names: short protein forms N1031D.
Identifiers: ClinVar variation 3357479 (VCV003357479.2).
Genomic context (GRCh38, chr3:127,016,593, plus strand): 5'-ATCCGGTGCCTGACACCCCCCGGGCAGAGCCCTGGCAGCGCTCCCATCATCATCAACATC[A>G]ACCGCGCCCAGCTCACCAACCCTGAGGTGAAGTACAACTACACCGAGGACCCCACCATCC-3'
Protein context (NP_115618.3, residues 1021-1041): PGSAPIIINI[Asn1031Asp]RAQLTNPEVK

ClinVar aggregate classification (germline): Uncertain significance (1 of 4 stars; one submission).

Conditions:
PLXNA1-related disorder. Also called: PLXNA1-related condition.

gnomAD v4.1: 1 of 1,611,058 alleles (0.000062%); highest among the groups gnomAD compares: African/African-American, 0.0013%; no homozygotes.

Submission:

PreventionGenetics, part of Exact Sciences
Classification: Uncertain significance for PLXNA1-related condition. Last evaluated: 2025-02-08. Review status: criteria provided, single submitter. Criteria: ACMG Guidelines, 2015. Collection method: clinical testing. Allele origin: germline.
Comment: The PLXNA1 c.3091A>G variant is predicted to result in the amino acid substitution p.Asn1031Asp. To our knowledge, this variant has not been reported in the literature or in a large population database (gnomAD), indicating this variant is rare. At this time, the clinical significance of this variant is uncertain due to the absence of conclusive functional and genetic evidence.